The following is an entry in ClinVar:

ClinVar aggregate classification (germline): Likely pathogenic (1 of 4 stars; one submission).

Conditions:
Danon disease. Also called: PSEUDOGLYCOGENOSIS II; GSD IIb; LYSOSOMAL GLYCOGEN STORAGE DISEASE WITHOUT ACID MALTASE DEFICIENCY; ANTOPOL DISEASE; Glycogen Storage Disease Type IIb. Identifiers: Orphanet 34587, MedGen C0878677, MONDO:0010281, OMIM 300257.

Submission:

Labcorp Genetics (formerly Invitae), Labcorp
Classification: Likely pathogenic for Danon disease. Last evaluated: 2025-06-06. Review status: criteria provided, single submitter. Criteria: Invitae Variant Classification Sherloc (09022015). Collection method: clinical testing. Allele origin: germline.
Comment: This sequence change affects codon 288 of the LAMP2 mRNA. It is a 'silent' change, meaning that it does not change the encoded amino acid sequence of the LAMP2 protein. RNA analysis indicates that this variant induces altered splicing and likely results in a shortened protein product. This variant is not present in population databases (gnomAD no frequency). This variant has been observed in individual(s) with Danon disease (PMID: 24691104, 34268477). ClinVar contains an entry for this variant (Variation ID: 1066188). Variants that disrupt the consensus splice site are a relatively common cause of aberrant splicing (PMID: 17576681, 9536098). Studies have shown that this variant results in skipping of exon 6, but is expected to preserve the integrity of the reading-frame (PMID: 24691104). In summary, the currently available evidence indicates that the variant is pathogenic, but additional data are needed to prove that conclusively. Therefore, this variant has been classified as Likely Pathogenic.

Literature cited by the submitters: PubMed 24691104; PubMed 34268477; PubMed 17576681; PubMed 9536098.

NM_002294.3(LAMP2):c.864G>A (p.Val288=)

Gene: LAMP2 (lysosome associated membrane protein 2; minus strand). Cytogenetic location: Xq24.
Variant type: single nucleotide variant.
Coding change: c.864G>A on transcript NM_002294.3 (MANE Select); coding-DNA position 864, G replaced by A.
Protein change: p.Val288=; no amino-acid change (valine 288 retained).
Molecular consequence: synonymous variant.
Genome position (GRCh38, 1-based): chrX:120,446,305, C>T on the plus strand (G>A on the coding strand, the complement: LAMP2 is on the minus strand). VCF-style: chrX-120446305-C-T. GRCh37 (hg19) VCF-style: chrX-119580160-C-T.
Other names: c.864G>A, p.Val288= (NM_013995.2, NM_001122606.1).
Identifiers: ClinVar variation 1066188 (VCV001066188.7), dbSNP rs2147281364, ClinGen allele CA518401402.